The following is an entry in ClinVar:

NM_138817.3(SLC7A13):c.685+5C>A

Gene: SLC7A13 (solute carrier family 7 member 13; minus strand). Cytogenetic location: 8q21.3.
Variant type: single nucleotide variant.
Coding change: c.685+5C>A on transcript NM_138817.3 (MANE Select); 5 bases into the intron after coding-DNA position 685, C replaced by A.
Molecular consequence: intron variant.
Genome position (GRCh38, 1-based): chr8:86,229,588, G>T on the plus strand (C>A on the coding strand, the complement: SLC7A13 is on the minus strand). VCF-style: chr8-86229588-G-T. GRCh37 (hg19) VCF-style: chr8-87241817-G-T.
Identifiers: ClinVar variation 3711926 (VCV003711926.2).
Genomic context (GRCh38, chr8:86,229,588, plus strand): 5'-ATATGCATTTCATATTGTATGCAATAAGTCATGATTTTAGATTTTTTTCCTCAATGGATT[G>T]TTACCTGCTATAAGTGTAAAGCATGCCCCGCCTGAATATGCAAAATATCCTTGGAAGATG-3'

ClinVar aggregate classification (germline): Uncertain significance (1 of 4 stars; one submission).

Submission:

Labcorp Genetics (formerly Invitae), Labcorp
Classification: Uncertain significance. Last evaluated: 2024-08-22. Review status: criteria provided, single submitter. Criteria: Invitae Variant Classification Sherloc (09022015). Collection method: clinical testing. Allele origin: germline.
Comment: This sequence change falls in intron 1 of the SLC7A13 gene. It does not directly change the encoded amino acid sequence of the SLC7A13 protein. It affects a nucleotide within the consensus splice site. This variant is present in population databases (rs775455045, gnomAD 0.006%). This variant has not been reported in the literature in individuals affected with SLC7A13-related conditions. Variants that disrupt the consensus splice site are a relatively common cause of aberrant splicing (PMID: 17576681, 9536098). Algorithms developed to predict the effect of sequence changes on RNA splicing suggest that this variant is not likely to affect RNA splicing. In summary, the available evidence is currently insufficient to determine the role of this variant in disease. Therefore, it has been classified as a Variant of Uncertain Significance.

Literature cited by the submitters: PubMed 17576681; PubMed 9536098.